The following is an entry in ClinVar:

ClinVar aggregate classification (germline): Benign (0 of 4 stars; one submission).

Conditions:
DMXL1-related disorder. Also called: DMXL1-related condition.

Allele frequency attached by ClinVar (database versions not stated): TOPMed 0.00008; ESP Exome Variant Server 0.00015; gnomAD 0.00019; 1000 Genomes Project 0.00060; 1000 Genomes Project 30x 0.00062; ExAC 0.00129.
gnomAD v4.1: 807 of 1,614,140 alleles (0.05%); highest among the groups gnomAD compares: South Asian, 0.72%; 10 homozygotes.

Submission:

PreventionGenetics, part of Exact Sciences
Classification: Benign for DMXL1-related condition. Last evaluated: 2019-05-08. Review status: no assertion criteria provided. Collection method: clinical testing. Allele origin: germline.
Comment: This variant is classified as benign based on ACMG/AMP sequence variant interpretation guidelines (Richards et al. 2015 PMID: 25741868, with internal and published modifications).

NM_001290321.3(DMXL1):c.7205A>C (p.Glu2402Ala)

Gene: DMXL1 (Dmx like 1; plus strand). Cytogenetic location: 5q23.1.
Variant type: single nucleotide variant.
Coding change: c.7205A>C on transcript NM_001290321.3 (MANE Select); coding-DNA position 7205, A replaced by C.
Protein change: p.Glu2402Ala; replaces glutamic acid 2402 with alanine.
Molecular consequence: missense variant. On other transcripts: non-coding transcript variant (3).
Genome position (GRCh38, 1-based): chr5:119,189,777, A>C. VCF-style: chr5-119189777-A-C. GRCh37 (hg19) VCF-style: chr5-118525472-A-C.
Other names: c.7205A>C, p.Glu2402Ala (NM_001349239.2, NM_001349240.2, NM_001387933.1 and 1 more transcripts); c.7013A>C, p.Glu2338Ala (NM_001387934.1); c.6500A>C, p.Glu2167Ala (NM_001387937.1); c.6218A>C, p.Glu2073Ala (NM_001387938.1); short protein forms E2073A, E2167A, E2338A, E2402A.
Identifiers: ClinVar variation 3042124 (VCV003042124.2), dbSNP rs146331228, ClinGen allele CA3380793.